The following is an entry in ClinVar:

NM_005559.4(LAMA1):c.7009dup (p.Ser2337fs)

Gene: LAMA1 (laminin subunit alpha 1; minus strand). Cytogenetic location: 18p11.31.
Variant type: Duplication.
Coding change: c.7009dup on transcript NM_005559.4 (MANE Select); coding-DNA position 7009, one base duplicated (T; older notation c.7009dupT).
Protein change: p.Ser2337fs; shifts the reading frame from serine 2337.
Molecular consequence: frameshift variant.
Genome position (GRCh38, 1-based): chr18:6,966,188, A duplicated on the plus strand (T on the coding strand, the reverse complement: LAMA1 is on the minus strand); the first of 4 consecutive A bases (chr18:6,966,188-6,966,191); duplicating any one gives the same sequence. VCF-style (leftmost placement, unchanged base first): chr18-6966187-G-GA. GRCh37 (hg19) VCF-style: chr18-6966186-G-GA.
Other names: c.7009dupT (NM_005559.4); short protein forms S2337fs.
Identifiers: ClinVar variation 1675305 (VCV001675305.4), dbSNP rs2144018381, ClinGen allele CA2573155094.
Genomic context (GRCh38, chr18:6,966,187, plus strand): 5'-GGCCGCACAAACACTCTTACTGTGCCGTATGAACCCAGGTAGAGAAGAAGTCCATTAGGT[G>GA]AAAAGGTATTAAAAAGCATGATTATCTGGGTCACGGTAGCCGGAAGTGACTTCTCCACGA-3'

ClinVar aggregate classification (germline): Pathogenic/Likely pathogenic. Review status: criteria provided, multiple submitters, no conflicts (2 of 4 stars). 3 submissions from 3 submitters: Pathogenic (1); Likely pathogenic (2). Last evaluated 2024-04-10.

Conditions:
Ataxia - intellectual disability - oculomotor apraxia - cerebellar cysts syndrome. Also called: Poretti-Boltshauser syndrome. Identifiers: Orphanet 370022, MedGen C4014821, MONDO:0014419, OMIM 615960.
LAMA1-related disorder. Also called: LAMA1-related disorders; LAMA1-related condition.

Submissions (3):

Women's Health and Genetics/Laboratory Corporation of America, LabCorp
Classification: Pathogenic for Ataxia - intellectual disability - oculomotor apraxia - cerebellar cysts syndrome. Last evaluated: 2024-04-10. Review status: criteria provided, single submitter. Criteria: LabCorp Variant Classification Summary - May 2015. Collection method: clinical testing. Allele origin: germline.
Comment: Variant summary: LAMA1 c.7009dupT (p.Ser2337PhefsX3) results in a premature termination codon, predicted to cause a truncation of the encoded protein or absence of the protein due to nonsense mediated decay, which are commonly known mechanisms for disease. The variant was absent in 251292 control chromosomes. To our knowledge, no occurrence of c.7009dupT in individuals affected with Ataxia-Intellectual Disability-Oculomotor Apraxia-Cerebellar Cysts Syndrome and no experimental evidence demonstrating its impact on protein function have been reported. ClinVar contains an entry for this variant (Variation ID: 1675305). Based on the evidence outlined above, the variant was classified as pathogenic.

Provincial Medical Genetics Program of British Columbia, University of British Columbia
Classification: Likely pathogenic for Ataxia - intellectual disability - oculomotor apraxia - cerebellar cysts syndrome. Last evaluated: 2022-01-01. Review status: criteria provided, single submitter. Criteria: ACMG Guidelines, 2015. Collection method: clinical testing. Allele origin: maternal. Affected: yes.

Blueprint Genetics
Classification: Likely pathogenic for LAMA1-related disorders. Last evaluated: 2018-09-26. Review status: criteria provided, single submitter. Criteria: ACMG Guidelines, 2015. Collection method: clinical testing. Allele origin: germline. Affected: yes. Observed: 2 variant alleles.